The following is an entry in ClinVar:

ClinVar aggregate classification (germline): Likely benign (1 of 4 stars; one submission).

Submission:

GeneDx
Classification: Likely benign. Last evaluated: 2016-03-21. Review status: criteria provided, single submitter. Criteria: GeneDx Variant Classification (06012015). Collection method: clinical testing. Allele origin: germline. Affected: yes.
Comment: This variant is considered likely benign or benign based on one or more of the following criteria: it is a conservative change, it occurs at a poorly conserved position in the protein, it is predicted to be benign by multiple in silico algorithms, and/or has population frequency not consistent with disease.

NM_000748.3(CHRNB2):c.*13T>C

Gene: CHRNB2 (cholinergic receptor nicotinic beta 2 subunit; plus strand). Cytogenetic location: 1q21.3.
Variant type: single nucleotide variant.
Coding change: c.*13T>C on transcript NM_000748.3 (MANE Select); 13 bases downstream of the stop codon, T replaced by C.
Molecular consequence: 3 prime UTR variant.
Genome position (GRCh38, 1-based): chr1:154,575,945, T>C. VCF-style: chr1-154575945-T-C. GRCh37 (hg19) VCF-style: chr1-154548421-T-C.
Identifiers: ClinVar variation 384639 (VCV000384639.1), dbSNP rs749294108, ClinGen allele CA16603445.